The following is an entry in ClinVar:

ClinVar aggregate classification (germline): Likely benign. Review status: criteria provided, multiple submitters, no conflicts (2 of 4 stars). 3 submissions from 3 submitters: Likely benign (2). 1 of the submissions does not count toward it. Last evaluated 2025-12-01.

Conditions:
HERC2-related disorder. Also called: HERC2-related condition.

Allele frequency attached by ClinVar (database versions not stated): gnomAD exomes 0.00020; ExAC 0.00076; ESP Exome Variant Server 0.00192; gnomAD 0.00235; TOPMed 0.00255; 1000 Genomes Project 30x 0.00312; 1000 Genomes Project 0.00319.
gnomAD v4.1: 677 of 1,614,086 alleles (0.042%); highest among the groups gnomAD compares: African/African-American, 0.77%; 1 homozygote.

Submissions (3):

CeGaT Center for Human Genetics Tuebingen
Classification: Likely benign. Last evaluated: 2025-12-01. Review status: criteria provided, single submitter. Criteria: CeGaT Center For Human Genetics Tuebingen Variant Classification Criteria Version 2. Collection method: clinical testing. Allele origin: germline. Affected: yes. Observed: 2 variant alleles.
Comment: HERC2: BP4, BS2

Blueprint Genetics
Classification: Likely benign. Last evaluated: 2023-12-14. Review status: criteria provided, single submitter. Criteria: ACMG Guidelines, 2015. Collection method: clinical testing. Allele origin: germline.

PreventionGenetics, part of Exact Sciences
Classification: Benign for HERC2-related condition. Last evaluated: 2024-08-22. Review status: no assertion criteria provided. Collection method: clinical testing. Allele origin: germline. Not counted in ClinVar's aggregate classification.
Comment: This variant is classified as benign based on ACMG/AMP sequence variant interpretation guidelines (Richards et al. 2015 PMID: 25741868, with internal and published modifications).

NM_004667.6(HERC2):c.11009-5C>T

Gene: HERC2 (HECT and RLD domain containing E3 ubiquitin protein ligase 2; minus strand). Cytogenetic location: 15q13.1.
Variant type: single nucleotide variant.
Coding change: c.11009-5C>T on transcript NM_004667.6 (MANE Select); 5 bases into the intron before coding-DNA position 11009, C replaced by T.
Molecular consequence: intron variant.
Genome position (GRCh38, 1-based): chr15:28,144,809, G>A on the plus strand (C>T on the coding strand, the complement: HERC2 is on the minus strand). VCF-style: chr15-28144809-G-A. GRCh37 (hg19) VCF-style: chr15-28389955-G-A.
Other names: c.11009-5C>T (NM_004667.5).
Identifiers: ClinVar variation 2645043 (VCV002645043.25), dbSNP rs188086401, ClinGen allele CA7440674.